The following is an entry in ClinVar:

ClinVar aggregate classification (germline): Benign/Likely benign. Review status: criteria provided, multiple submitters, no conflicts (2 of 4 stars). 3 submissions from 3 submitters: Benign (1); Likely benign (2). Last evaluated 2024-08-17.

Conditions:
Intellectual developmental disorder, X-linked 1. Also called: MENTAL RETARDATION, X-LINKED 18; MENTAL RETARDATION, X-LINKED 78; Intellectual disability, X-linked 1; Atkin Flaitz Patil Smith syndrome. Identifiers: Orphanet 777, MedGen C2931498, MONDO:0010656, OMIM 309530.

Allele frequency attached by ClinVar (database versions not stated): ExAC 0.00002; 1000 Genomes Project 30x 0.00042; gnomAD exomes 0.00001 and below 0.00001; TOPMed 0.00001; 1000 Genomes Project 0.00026; gnomAD 0.00003.
gnomAD v4.1: 7 of 1,209,549 alleles (0.00058%); highest among the groups gnomAD compares: African/African-American, 0.012%; no homozygotes.

Submissions (3):

Labcorp Genetics (formerly Invitae), Labcorp
Classification: Benign for Intellectual developmental disorder, X-linked 1. Last evaluated: 2024-08-17. Review status: criteria provided, single submitter. Criteria: Invitae Variant Classification Sherloc (09022015). Collection method: clinical testing. Allele origin: germline.

Blueprint Genetics
Classification: Likely benign. Last evaluated: 2023-08-17. Review status: criteria provided, single submitter. Criteria: ACMG Guidelines, 2015. Collection method: clinical testing. Allele origin: germline.

GeneDx
Classification: Likely benign. Last evaluated: 2017-08-02. Review status: criteria provided, single submitter. Criteria: GeneDx Variant Classification (06012015). Collection method: clinical testing. Allele origin: germline. Affected: yes.
Comment: This variant is considered likely benign or benign based on one or more of the following criteria: it is a conservative change, it occurs at a poorly conserved position in the protein, it is predicted to be benign by multiple in silico algorithms, and/or has population frequency not consistent with disease.

NM_001111125.3(IQSEC2):c.3159G>A (p.Gly1053=)

Gene: IQSEC2 (IQ motif and Sec7 domain ArfGEF 2; minus strand). Cytogenetic location: Xp11.22.
Variant type: single nucleotide variant.
Coding change: c.3159G>A on transcript NM_001111125.3 (MANE Select); coding-DNA position 3159, G replaced by A.
Protein change: p.Gly1053=; no amino-acid change (glycine 1053 retained).
Molecular consequence: synonymous variant.
Genome position (GRCh38, 1-based): chrX:53,238,263, C>T on the plus strand (G>A on the coding strand, the complement: IQSEC2 is on the minus strand). VCF-style: chrX-53238263-C-T. GRCh37 (hg19) VCF-style: chrX-53267445-C-T.
Other names: c.2544G>A, p.Gly848= (NM_015075.2).
Identifiers: ClinVar variation 511234 (VCV000511234.7), dbSNP rs199643273, ClinGen allele CA10419837.
Genomic context (GRCh38, chrX:53,238,263, plus strand): 5'-TGTAAAGCGCAGCCGGTCCTGGAGGCTGGGGGCATTGAAGATGATGAGGACTTTTCGCTC[C>T]CCACCAGGTACTGCAGACAGCAACTTGATCCCAAACTGGTAATCTGTGGAGAAAGGGGAG-3'
Protein context (NP_001104595.1, residues 1043-1063): GIKLLSAVPG[Gly1053=]ERKVLIIFNA